The following is an entry in ClinVar:

ClinVar aggregate classification (germline): Benign/Likely benign. Review status: criteria provided, multiple submitters, no conflicts (2 of 4 stars). 3 submissions from 3 submitters: Benign (1); Likely benign (2). Last evaluated 2026-01-19.

Conditions:
Neuronal ceroid lipofuscinosis. Also called: Neuronal Ceroid Lipofuscinoses. Identifiers: Orphanet 216, Orphanet 79263, MedGen C0027877, MONDO:0016295. Disease mechanism: loss of function.

Allele frequency attached by ClinVar (database versions not stated): gnomAD 0.00041 and 0.00039; TOPMed 0.00045; 1000 Genomes Project 30x 0.00078; 1000 Genomes Project 0.00100; ExAC 0.00016; gnomAD exomes 0.00016; ESP Exome Variant Server 0.00038.
gnomAD v4.1: 176 of 1,596,210 alleles (0.011%); highest among the groups gnomAD compares: African/African-American, 0.16%; no homozygotes.

Submissions (3):

Labcorp Genetics (formerly Invitae), Labcorp
Classification: Likely benign for Neuronal ceroid lipofuscinosis. Last evaluated: 2026-01-19. Review status: criteria provided, single submitter. Criteria: Invitae Variant Classification Sherloc (09022015). Collection method: clinical testing. Allele origin: germline.

Blueprint Genetics
Classification: Likely benign. Last evaluated: 2024-07-16. Review status: criteria provided, single submitter. Criteria: ACMG Guidelines, 2015. Collection method: clinical testing. Allele origin: germline.

GeneDx
Classification: Benign. Last evaluated: 2012-12-31. Review status: criteria provided, single submitter. Criteria: GeneDx Variant Classification (06012015). Collection method: clinical testing. Allele origin: germline. Affected: yes.
Comment: This variant is considered likely benign or benign based on one or more of the following criteria: it is a conservative change, it occurs at a poorly conserved position in the protein, it is predicted to be benign by multiple in silico algorithms, and/or has population frequency not consistent with disease.

NM_001909.5(CTSD):c.353-11G>A

Gene: CTSD (cathepsin D; minus strand). Cytogenetic location: 11p15.5.
Variant type: single nucleotide variant.
Coding change: c.353-11G>A on transcript NM_001909.5 (MANE Select); 11 bases into the intron before coding-DNA position 353, G replaced by A.
Molecular consequence: intron variant.
Genome position (GRCh38, 1-based): chr11:1,759,098, C>T on the plus strand (G>A on the coding strand, the complement: CTSD is on the minus strand). VCF-style: chr11-1759098-C-T. GRCh37 (hg19) VCF-style: chr11-1780328-C-T.
Identifiers: ClinVar variation 137056 (VCV000137056.10), dbSNP rs372689713, ClinGen allele CA290550.
Genomic context (GRCh38, chr11:1,759,098, plus strand): 5'-ATTCTTCACGTAGGTGCTGGACTTGTCGCTGTTGTACTTGTGGTGGATCCCTGCCCCGGG[C>T]GACAAGGGGGCCCGCCGGTCATCCCGCAGCCCACGCCACGGCCTTAGCCCTCCCATCCCC-3'